The following is an entry in ClinVar:

NM_020812.4(DOCK6):c.2955+3G>A

Gene: DOCK6 (dedicator of cytokinesis 6; minus strand). Cytogenetic location: 19p13.2.
Variant type: single nucleotide variant.
Coding change: c.2955+3G>A on transcript NM_020812.4 (MANE Select); 3 bases into the intron after coding-DNA position 2955, G replaced by A.
Molecular consequence: intron variant.
Genome position (GRCh38, 1-based): chr19:11,227,334, C>T on the plus strand (G>A on the coding strand, the complement: DOCK6 is on the minus strand). VCF-style: chr19-11227334-C-T. GRCh37 (hg19) VCF-style: chr19-11338010-C-T.
Other names: c.3060+3G>A (NM_001367830.1).
Identifiers: ClinVar variation 3036548 (VCV003036548.2), dbSNP rs2513062555, ClinGen allele CA2740091878.
Genomic context (GRCh38, chr19:11,227,334, plus strand): 5'-CACCTGGCTGGCTCTATGTCCTCCCTCAGGTTTCTTCCCACATTGAGACCCTGCATCTCT[C>T]ACCTTGTGGACACGGGTGATGACCTCCAGGCCCACAGAGCCCACCAAGGCAGTGATGTCG-3'

ClinVar aggregate classification (germline): Likely benign (0 of 4 stars; one submission).

Conditions:
DOCK6-related disorder. Also called: DOCK6-related condition.

Submission:

PreventionGenetics, part of Exact Sciences
Classification: Likely benign for DOCK6-related condition. Last evaluated: 2020-12-17. Review status: no assertion criteria provided. Collection method: clinical testing. Allele origin: germline.
Comment: This variant is classified as likely benign based on ACMG/AMP sequence variant interpretation guidelines (Richards et al. 2015 PMID: 25741868, with internal and published modifications).